The following is an entry in ClinVar:

NM_000021.4(PSEN1):c.564dup (p.Tyr189fs)

Gene: PSEN1 (presenilin 1; plus strand). Cytogenetic location: 14q24.2.
Variant type: Duplication.
Coding change: c.564dup on transcript NM_000021.4 (MANE Select); coding-DNA position 564, one base duplicated (C; older notation c.564dupC).
Protein change: p.Tyr189fs; shifts the reading frame from tyrosine 189.
Molecular consequence: frameshift variant.
Genome position (GRCh38, 1-based): chr14:73,192,659, C duplicated; the last of 2 consecutive C bases (chr14:73,192,658-73,192,659); duplicating either gives the same sequence. VCF-style (leftmost placement, unchanged base first): chr14-73192657-A-AC. GRCh37 (hg19) VCF-style: chr14-73659365-A-AC.
Other names: c.552dup, p.Tyr185fs (NM_007318.3); short protein forms Y185fs, Y189fs.
Identifiers: ClinVar variation 4529556 (VCV004529556.1).

ClinVar aggregate classification (germline): Uncertain significance (1 of 4 stars; one submission).

Submission:

GeneDx
Classification: Uncertain significance. Last evaluated: 2025-05-16. Review status: criteria provided, single submitter. Criteria: GeneDx Variant Classification Process June 2021. Collection method: clinical testing. Allele origin: germline. Affected: yes.
Comment: Not observed at significant frequency in large population cohorts (gnomAD); Frameshift variant predicted to result in protein truncation or nonsense mediated decay in a gene or region of a gene for which loss of function is not a well-established mechanism of disease; Has not been previously published as pathogenic or benign to our knowledge